The following is an entry in ClinVar:

ClinVar aggregate classification (germline): Likely pathogenic (1 of 4 stars; one submission).

Conditions:
Blepharophimosis - intellectual disability syndrome, SBBYS type (SBBYSS). Also called: Say-Barber-Biesecker variant of Ohdo syndrome (SBBYSS); Young Simpson syndrome; Mental retardation unusual facies hypothyroidism; Ohdo syndrome, SBBYS variant; SBBYSS syndrome; Say-Barber-Biesecker-Young-Simpson syndrome. Identifiers: Orphanet 3047, MedGen C1863557, MONDO:0011365, OMIM 603736.

Submission:

3billion
Classification: Likely pathogenic for Blepharophimosis - intellectual disability syndrome, SBBYS type. Last evaluated: 2025-05-30. Review status: criteria provided, single submitter. Criteria: ACMG Guidelines, 2015. Collection method: clinical testing. Allele origin: germline. Affected: yes.
Comment: The variant is not observed in the gnomAD v4.1.0 dataset. Predicted Consequence/Location: Frameshift: predicted to result in a loss or disruption of normal protein function through nonsense-mediated decay (NMD) or protein truncation. Multiple pathogenic variants are reported downstream of the variant. Therefore, this variant is classified as Likely pathogenic according to the recommendation of ACMG/AMP guideline.

NM_012330.4(KAT6B):c.3360_3361delinsT (p.Ala1120_Ile1121insTer)

Gene: KAT6B (lysine acetyltransferase 6B; plus strand). Cytogenetic location: 10q22.2.
Variant type: Indel.
Coding change: c.3360_3361delinsT on transcript NM_012330.4 (MANE Select); coding-DNA positions 3360 to 3361, CA replaced by T.
Protein change: p.Ala1120_Ile1121insTer.
Molecular consequence: frameshift variant.
Genome position (GRCh38, 1-based): chr10:75,022,219-75,022,220, CA replaced by T. VCF-style: chr10-75022219-CA-T. GRCh37 (hg19) VCF-style: chr10-76781977-CA-T.
Other names: c.2811_2812delinsT, p.Ala937_Ile938insTer (NM_001256468.2, NM_001370138.1); c.2484_2485delinsT, p.Ala828_Ile829insTer (NM_001256469.2, NM_001370139.1, NM_001370140.1 and 2 more transcripts); c.2322_2323delinsT, p.Ala774_Ile775insTer (NM_001370132.1); c.1671_1672delinsT, p.Ala557_Ile558insTer (NM_001370133.1); c.1275_1276delinsT, p.Ala425_Ile426insTer (NM_001370134.1); c.1017_1018delinsT, p.Ala339_Ile340insTer (NM_001370135.1); c.3360_3361delinsT, p.Ala1120_Ile1121insTer (NM_001370136.1, NM_001370137.1); c.2295_2296delinsT, p.Ala765_Ile766insTer (NM_001370143.1, NM_001370144.1).
Identifiers: ClinVar variation 4854860 (VCV004854860.1).